The following is an entry in ClinVar:

ClinVar aggregate classification (germline): Uncertain significance (1 of 4 stars; one submission).

Allele frequency attached by ClinVar (database versions not stated): gnomAD exomes below 0.00001; ExAC 0.00001.
gnomAD v4.1: 1 of 1,614,122 alleles (0.000062%); highest among the groups gnomAD compares: South Asian, 0.0011%; no homozygotes.

Submission:

Labcorp Genetics (formerly Invitae), Labcorp
Classification: Uncertain significance. Last evaluated: 2022-06-27. Review status: criteria provided, single submitter. Criteria: Invitae Variant Classification Sherloc (09022015). Collection method: clinical testing. Allele origin: germline.
Comment: In summary, the available evidence is currently insufficient to determine the role of this variant in disease. Therefore, it has been classified as a Variant of Uncertain Significance. Advanced modeling of protein sequence and biophysical properties (such as structural, functional, and spatial information, amino acid conservation, physicochemical variation, residue mobility, and thermodynamic stability) performed at Invitae indicates that this missense variant is expected to disrupt COL11A2 protein function. This variant has not been reported in the literature in individuals affected with COL11A2-related conditions. This variant is present in population databases (rs746757128, gnomAD 0.003%). This sequence change replaces glycine, which is neutral and non-polar, with alanine, which is neutral and non-polar, at codon 541 of the COL11A2 protein (p.Gly541Ala).

NM_080680.3(COL11A2):c.1622G>C (p.Gly541Ala)

Gene: COL11A2 (collagen type XI alpha 2 chain; minus strand). Cytogenetic location: 6p21.32.
Variant type: single nucleotide variant.
Coding change: c.1622G>C on transcript NM_080680.3 (MANE Select); coding-DNA position 1622, G replaced by C.
Protein change: p.Gly541Ala; replaces glycine 541 with alanine.
Molecular consequence: missense variant.
Genome position (GRCh38, 1-based): chr6:33,178,963, C>G on the plus strand (G>C on the coding strand, the complement: COL11A2 is on the minus strand). VCF-style: chr6-33178963-C-G. GRCh37 (hg19) VCF-style: chr6-33146740-C-G.
Other names: c.1301G>C, p.Gly434Ala (NM_080679.3); c.1364G>C, p.Gly455Ala (NM_080681.3); short protein forms G455A, G541A, G434A.
Identifiers: ClinVar variation 1512381 (VCV001512381.6), dbSNP rs746757128, ClinGen allele CA3751278.